The following is an entry in ClinVar:

ClinVar aggregate classification (germline): Pathogenic (1 of 4 stars; one submission).

Conditions:
Maple syrup urine disease (MSUD). Identifiers: Orphanet 511, MedGen C0024776, MeSH D008375, MONDO:0009563. Disease mechanism: loss of function.

Allele frequency attached by ClinVar (database versions not stated): TOPMed below 0.00001.

Submission:

Labcorp Genetics (formerly Invitae), Labcorp
Classification: Pathogenic for Maple syrup urine disease. Last evaluated: 2021-03-25. Review status: criteria provided, single submitter. Criteria: Invitae Variant Classification Sherloc (09022015). Collection method: clinical testing. Allele origin: germline.
Comment: For these reasons, this variant has been classified as Pathogenic. This variant disrupts the C-terminus of the DBT protein. Other variant(s) that disrupt this region (p.Ser461*) have been determined to be pathogenic (PMID: 30228974). This suggests that variants that disrupt this region of the protein are likely to be causative of disease. This variant has not been reported in the literature in individuals with DBT-related conditions. This variant is not present in population databases (ExAC no frequency). This sequence change creates a premature translational stop signal (p.Gln442*) in the DBT gene. While this is not anticipated to result in nonsense mediated decay, it is expected to disrupt the last 41 amino acid(s) of the DBT protein.

Literature cited by the submitters: PubMed 30228974.

NM_001918.5(DBT):c.1324C>T (p.Gln442Ter)

Gene: DBT (dihydrolipoamide branched chain transacylase E2; minus strand). Cytogenetic location: 1p21.2.
Variant type: single nucleotide variant.
Coding change: c.1324C>T on transcript NM_001918.5 (MANE Select); coding-DNA position 1324, C replaced by T.
Protein change: p.Gln442Ter; replaces glutamine 442 with a stop codon.
Molecular consequence: nonsense.
Genome position (GRCh38, 1-based): chr1:100,196,380, G>A on the plus strand (C>T on the coding strand, the complement: DBT is on the minus strand). VCF-style: chr1-100196380-G-A. GRCh37 (hg19) VCF-style: chr1-100661936-G-A.
Other names: short protein forms Q442*.
Identifiers: ClinVar variation 1369372 (VCV001369372.9), dbSNP rs1276927916, ClinGen allele CA341351622.
Genomic context (GRCh38, chr1:100,196,380, plus strand): 5'-GTGACATTGTAGCACCATCAATAACTCTGTGATCAGCTGACCAGCTCACATTCATTATCT[G>A]TGCCTTATATACTTCTCCTTTCTGGTTAAATCGGGGAATGGCCTAGAAATGAAAAAAAAA-3'